The following is an entry in ClinVar:

NM_023110.3(FGFR1):c.2092G>A (p.Gly698Ser)

Gene: FGFR1 (fibroblast growth factor receptor 1; minus strand). Cytogenetic location: 8p11.23.
Variant type: single nucleotide variant.
Coding change: c.2092G>A on transcript NM_023110.3 (MANE Select); coding-DNA position 2092, G replaced by A.
Protein change: p.Gly698Ser; replaces glycine 698 with serine.
Molecular consequence: missense variant.
Genome position (GRCh38, 1-based): chr8:38,414,246, C>T on the plus strand (G>A on the coding strand, the complement: FGFR1 is on the minus strand). VCF-style: chr8-38414246-C-T. GRCh37 (hg19) VCF-style: chr8-38271764-C-T.
Other names: c.2086G>A, p.Gly696Ser (NM_001174063.2, NM_001174065.2, NM_001354367.2 and 1 more transcripts); c.2062G>A, p.Gly688Ser (NM_001174064.2); c.1825G>A, p.Gly609Ser (NM_001174066.2, NM_023105.3); c.2185G>A, p.Gly729Ser (NM_001174067.2); c.1813G>A, p.Gly605Ser (NM_001354368.2); c.2080G>A, p.Gly694Ser (NM_001354369.2, NM_001410922.1); c.1819G>A, p.Gly607Ser (NM_001354370.2, NM_023106.3); short protein forms G609S, G694S, G696S, G605S, G607S, G688S, G698S, G729S.
Identifiers: ClinVar variation 5007307 (VCV005007307.2).

ClinVar aggregate classification (germline): Uncertain significance (1 of 4 stars; one submission).

Conditions:
Hartsfield-Bixler-Demyer syndrome (HRTFDS). Also called: Hartsfield syndrome; FGFR1-Related Hartsfield Syndrome; Holoprosencephaly, ectrodactyly, and bilateral cleft lip/palate. Identifiers: Orphanet 2117, MedGen C1845146, MONDO:0014196, OMIM 615465. Disease mechanism: loss of function.
Osteoglophonic dysplasia (OGD). Also called: Osteoglophonic dwarfism. Identifiers: Orphanet 2645, MedGen C0432283, MONDO:0008150, OMIM 166250.
Encephalocraniocutaneous lipomatosis (ECCL). Identifiers: Orphanet 2396, MedGen C0406612, MONDO:0013074, OMIM 613001.
Trigonocephaly 1 (TRIGNO1). Identifiers: Orphanet 3366, MedGen C0432122, MONDO:0008603, OMIM 190440.
Pfeiffer syndrome (ACS5). Also called: ACS V. Identifiers: Orphanet 710, MedGen C0220658, MONDO:0007043, OMIM 101600.
Jackson-Weiss syndrome (JWS). Also called: CRANIOSYNOSTOSIS, MIDFACIAL HYPOPLASIA, AND FOOT ABNORMALITIES. Identifiers: Orphanet 1540, MedGen C0795998, MONDO:0007400, OMIM 123150. Disease mechanism: loss of function.
Hypogonadotropic hypogonadism 2 with or without anosmia (HH2). Also called: HYPOGONADOTROPIC HYPOGONADISM 2 WITHOUT ANOSMIA; FGFR1-Related GnRH Deficiency (Kallmann Syndrome 2); HYPOGONADOTROPIC HYPOGONADISM 2 WITHOUT ANOSMIA, SUSCEPTIBILITY TO; HYPOGONADOTROPIC HYPOGONADISM 2 WITH OR WITHOUT ANOSMIA, SUSCEPTIBILITY TO. Identifiers: Orphanet 478, MedGen C1563720, MONDO:0007844, OMIM 147950. Disease mechanism: loss of function.

gnomAD v4.1: 3 of 1,614,136 alleles (0.00019%); highest among the groups gnomAD compares: Non-Finnish European, 0.00025%; no homozygotes.

Submission:

Juno Genomics, Hangzhou Juno Genomics, Inc
Classification: Uncertain significance for Trigonocephaly 1; Encephalocraniocutaneous lipomatosis; Hartsfield-Bixler-Demyer syndrome; Hypogonadotropic hypogonadism 2 with or without anosmia; Jackson-Weiss syndrome; Osteoglophonic dysplasia; Pfeiffer syndrome. Review status: criteria provided, single submitter. Criteria: ACMG Guidelines, 2015. Collection method: clinical testing. Allele origin: germline.
Comment: Missense variant in a gene that has a low rate of benign missense variation.;Multiple lines of computational evidence support a deleterious effect on the gene or gene product.;Absent from controls (or at extremely low frequency if recessive) in Genome Aggregation Database.